The following is an entry in ClinVar:

ClinVar aggregate classification (germline): Conflicting classifications of pathogenicity. Review status: criteria provided, conflicting classifications (1 of 4 stars). 2 submissions from 2 submitters: Uncertain significance (1); Likely benign (1). Last evaluated 2023-12-11.

Allele frequency attached by ClinVar (database versions not stated): gnomAD exomes 0.00001; gnomAD 0.00002; TOPMed 0.00002; ExAC 0.00006.
gnomAD v4.1: 23 of 1,550,198 alleles (0.0015%); highest among the groups gnomAD compares: Non-Finnish European, 0.0017%; no homozygotes.

Submissions (2):

Labcorp Genetics (formerly Invitae), Labcorp
Classification: Likely benign. Last evaluated: 2023-12-11. Review status: criteria provided, single submitter. Criteria: Invitae Variant Classification Sherloc (09022015). Collection method: clinical testing. Allele origin: germline.

Laboratory for Molecular Medicine, Mass General Brigham Personalized Medicine
Classification: Uncertain significance. Last evaluated: 2017-02-28. Review status: criteria provided, single submitter. Criteria: LMM Criteria. Collection method: clinical testing. Allele origin: germline. Observed: 1 variant allele.
Comment: Variant classified as Uncertain Significance - Favor Benign. The c.3562-12G>C va riant in OTOG has not been previously reported in individuals with hearing loss, but has been identified in 1/5678 European chromosomes by the Exome Aggregation Consortium (ExAC; dbSNP rs749205983). Nucleotid e G at position c.3562-12 is not conserved in mammals or evolutionarily distant species, including 1 mammal (bushbaby) carrying nucleotide C, supporting the pos sibility that this change may be tolerated. This variant is located in the 3' sp lice region. Computational tools do not suggest an impact to splicing. However, this information is not predictive enough to rule out pathogenicity. In summary, while the clinical significance of the c.3562-12G>C variant is uncertain, avail able data suggest that it is more likely to be benign.

NM_001292063.2(OTOG):c.3526-12G>C

Gene: OTOG (otogelin; plus strand). Cytogenetic location: 11p15.1.
Variant type: single nucleotide variant.
Coding change: c.3526-12G>C on transcript NM_001292063.2 (MANE Select); 12 bases into the intron before coding-DNA position 3526, G replaced by C.
Molecular consequence: intron variant.
Genome position (GRCh38, 1-based): chr11:17,596,839, G>C. VCF-style: chr11-17596839-G-C. GRCh37 (hg19) VCF-style: chr11-17618386-G-C.
Other names: c.3562-12G>C (NM_001277269.2).
Identifiers: ClinVar variation 517202 (VCV000517202.12), dbSNP rs749205983, ClinGen allele CA5905752.